The following is an entry in ClinVar:

NM_001330617.2(ZNF17):c.557A>G (p.Gln186Arg)

Gene: ZNF17 (zinc finger protein 17; plus strand). Cytogenetic location: 19q13.43.
Variant type: single nucleotide variant.
Coding change: c.557A>G on transcript NM_001330617.2 (MANE Select); coding-DNA position 557, A replaced by G.
Protein change: p.Gln186Arg; replaces glutamine 186 with arginine.
Molecular consequence: missense variant.
Genome position (GRCh38, 1-based): chr19:57,420,043, A>G. VCF-style: chr19-57420043-A-G. GRCh37 (hg19) VCF-style: chr19-57931411-A-G.
Other names: c.551A>G, p.Gln184Arg (NM_006959.3); short protein forms Q184R, Q186R.
Identifiers: ClinVar variation 3040820 (VCV003040820.2), dbSNP rs199697551, ClinGen allele CA9698616.

ClinVar aggregate classification (germline): Likely benign (0 of 4 stars; one submission).

Conditions:
ZNF17-related disorder. Also called: ZNF17-related condition.

Allele frequency attached by ClinVar (database versions not stated): 1000 Genomes Project 30x 0.00094; 1000 Genomes Project 0.00100; gnomAD 0.00236; gnomAD exomes 0.00336; ExAC 0.00214; TOPMed 0.00222; ESP Exome Variant Server 0.00224.
gnomAD v4.1: 5,218 of 1,614,222 alleles (0.32%); highest among the groups gnomAD compares: Non-Finnish European, 0.4%; 11 homozygotes.

Submission:

PreventionGenetics, part of Exact Sciences
Classification: Likely benign for ZNF17-related condition. Last evaluated: 2020-06-10. Review status: no assertion criteria provided. Collection method: clinical testing. Allele origin: germline.
Comment: This variant is classified as likely benign based on ACMG/AMP sequence variant interpretation guidelines (Richards et al. 2015 PMID: 25741868, with internal and published modifications).